The following is an entry in ClinVar:

ClinVar aggregate classification (germline): Uncertain significance (1 of 4 stars; one submission).

gnomAD v4.1: 1 of 1,606,894 alleles (0.000062%); no homozygotes.

Submission:

Labcorp Genetics (formerly Invitae), Labcorp
Classification: Uncertain significance. Last evaluated: 2021-10-18. Review status: criteria provided, single submitter. Criteria: Invitae Variant Classification Sherloc (09022015). Collection method: clinical testing. Allele origin: germline.
Comment: In summary, the available evidence is currently insufficient to determine the role of this variant in disease. Therefore, it has been classified as a Variant of Uncertain Significance. Algorithms developed to predict the effect of sequence changes on RNA splicing suggest that this variant may create or strengthen a splice site. Algorithms developed to predict the effect of missense changes on protein structure and function are either unavailable or do not agree on the potential impact of this missense change (SIFT: "Deleterious"; PolyPhen-2: "Probably Damaging"; Align-GVGD: "Class C0"). This variant has not been reported in the literature in individuals affected with CEP78-related conditions. This variant is present in population databases (rs771828935, ExAC 0.002%). This sequence change replaces proline with alanine at codon 385 of the CEP78 protein (p.Pro385Ala). The proline residue is highly conserved and there is a small physicochemical difference between proline and alanine.

NM_001330691.3(CEP78):c.1150C>G (p.Pro384Ala)

Gene: CEP78 (centrosomal protein 78; plus strand). Cytogenetic location: 9q21.2.
Variant type: single nucleotide variant.
Coding change: c.1150C>G on transcript NM_001330691.3 (MANE Select); coding-DNA position 1150, C replaced by G.
Protein change: p.Pro384Ala; replaces proline 384 with alanine.
Molecular consequence: missense variant.
Genome position (GRCh38, 1-based): chr9:78,251,988, C>G. VCF-style: chr9-78251988-C-G. GRCh37 (hg19) VCF-style: chr9-80866904-C-G.
Other names: c.1153C>G, p.Pro385Ala (NM_001098802.3, NM_001349839.2, NM_001349840.2 and 1 more transcripts); c.1150C>G, p.Pro384Ala (NM_001330693.3, NM_001330694.2, NM_001349838.2); short protein forms P384A, P385A.
Identifiers: ClinVar variation 1345357 (VCV001345357.6), dbSNP rs771828935, ClinGen allele CA5095156.
Genomic context (GRCh38, chr9:78,251,988, plus strand): 5'-GTAAGTAGTGGCAGAAAACACTCCCTTGGTAAAGAATATTATGCGCCCGCACCTCTTCCA[C>G]CTGGTGTGTCTGGTTTCTTGCCGTGGCGTACTGCAGAACGTGCAAAAAGACACAGGTAGG-3'
Protein context (NP_001317620.1, residues 374-394): KEYYAPAPLP[Pro384Ala]GVSGFLPWRT